The following is an entry in ClinVar:

NM_001567.4(INPPL1):c.2213-189_2270del

Gene: INPPL1 (inositol polyphosphate phosphatase like 1; plus strand). Cytogenetic location: 11q13.4.
Variant type: Deletion.
Coding change: c.2213-189_2270del on transcript NM_001567.4 (MANE Select); 189 bases into the intron before coding-DNA position 2213 through coding-DNA position 2270, 247 bases deleted.
Molecular consequence: splice acceptor variant.
Genome position (GRCh38, 1-based): chr11:72,234,092-72,234,338, 247 bases deleted. GRCh37 (hg19): chr11:71,945,136-71,945,382.
Identifiers: ClinVar variation 2809541 (VCV002809541.3), dbSNP rs2539226434, ClinGen allele CA2739270680.

ClinVar aggregate classification (germline): Likely pathogenic (1 of 4 stars; one submission).

Submission:

Labcorp Genetics (formerly Invitae), Labcorp
Classification: Likely pathogenic. Last evaluated: 2023-01-03. Review status: criteria provided, single submitter. Criteria: Invitae Variant Classification Sherloc (09022015). Collection method: clinical testing. Allele origin: germline.
Comment: In summary, the currently available evidence indicates that the variant is pathogenic, but additional data are needed to prove that conclusively. Therefore, this variant has been classified as Likely Pathogenic. Algorithms developed to predict the effect of sequence changes on RNA splicing suggest that this variant may disrupt the consensus splice site. This variant has not been reported in the literature in individuals affected with INPPL1-related conditions. This variant is not present in population databases (gnomAD no frequency). This variant results in the deletion of part of exon 20 (c.2213-189_2270del) of the INPPL1 gene. It is expected to disrupt RNA splicing. Variants that disrupt the donor or acceptor splice site typically lead to a loss of protein function (PMID: 16199547), and loss-of-function variants in INPPL1 are known to be pathogenic (PMID: 23273567, 23273569).

Literature cited by the submitters: PubMed 16199547; PubMed 23273567; PubMed 23273569.